The following is an entry in ClinVar:

NM_198586.3(NHLRC1):c.243C>A (p.Ser81Arg)

Gene: NHLRC1 (NHL repeat containing E3 ubiquitin protein ligase 1; minus strand). Cytogenetic location: 6p22.3.
Variant type: single nucleotide variant.
Coding change: c.243C>A on transcript NM_198586.3 (MANE Select); coding-DNA position 243, C replaced by A.
Protein change: p.Ser81Arg; replaces serine 81 with arginine.
Molecular consequence: missense variant.
Genome position (GRCh38, 1-based): chr6:18,122,364, G>T on the plus strand (C>A on the coding strand, the complement: NHLRC1 is on the minus strand). VCF-style: chr6-18122364-G-T. GRCh37 (hg19) VCF-style: chr6-18122595-G-T.
Other names: short protein forms S81R.
Identifiers: ClinVar variation 1447249 (VCV001447249.6), dbSNP rs1174745955, ClinGen allele CA362829171.

ClinVar aggregate classification (germline): Uncertain significance (1 of 4 stars; one submission).

Conditions:
Lafora disease. Also called: Epilepsy progressive myoclonic 2. Identifiers: Orphanet 501, MedGen C0751783, MONDO:0009697.

Allele frequency attached by ClinVar (database versions not stated): gnomAD 0.00001; gnomAD exomes 0.00001; TOPMed 0.00001.

Submission:

Labcorp Genetics (formerly Invitae), Labcorp
Classification: Uncertain significance for Lafora disease. Last evaluated: 2022-06-27. Review status: criteria provided, single submitter. Criteria: Invitae Variant Classification Sherloc (09022015). Collection method: clinical testing. Allele origin: germline.
Comment: In summary, the available evidence is currently insufficient to determine the role of this variant in disease. Therefore, it has been classified as a Variant of Uncertain Significance. Algorithms developed to predict the effect of missense changes on protein structure and function (SIFT, PolyPhen-2, Align-GVGD) all suggest that this variant is likely to be disruptive. This variant has not been reported in the literature in individuals affected with NHLRC1-related conditions. This variant is present in population databases (no rsID available, gnomAD 0.001%). This sequence change replaces serine, which is neutral and polar, with arginine, which is basic and polar, at codon 81 of the NHLRC1 protein (p.Ser81Arg).